The following is an entry in ClinVar:

NM_017617.5(NOTCH1):c.2773G>A (p.Gly925Ser)

Gene: NOTCH1 (notch receptor 1; minus strand). Cytogenetic location: 9q34.3.
Variant type: single nucleotide variant.
Coding change: c.2773G>A on transcript NM_017617.5 (MANE Select); coding-DNA position 2773, G replaced by A.
Protein change: p.Gly925Ser; replaces glycine 925 with serine.
Molecular consequence: missense variant.
Genome position (GRCh38, 1-based): chr9:136,509,929, C>T on the plus strand (G>A on the coding strand, the complement: NOTCH1 is on the minus strand). VCF-style: chr9-136509929-C-T. GRCh37 (hg19) VCF-style: chr9-139404381-C-T.
Other names: short protein forms G925S.
Identifiers: ClinVar variation 1310230 (VCV001310230.2), dbSNP rs775047070, ClinGen allele CA5341148.

ClinVar aggregate classification (germline): Uncertain significance (1 of 4 stars; one submission).

Allele frequency attached by ClinVar (database versions not stated): ExAC 0.00001; gnomAD 0.00001; gnomAD exomes 0.00001; TOPMed 0.00001.
gnomAD v4.1: 9 of 1,613,122 alleles (0.00056%); highest among the groups gnomAD compares: Admixed American, 0.0017%; no homozygotes.

Submission:

GeneDx
Classification: Uncertain significance. Last evaluated: 2019-11-11. Review status: criteria provided, single submitter. Criteria: GeneDx Variant Classification Process June 2021. Collection method: clinical testing. Allele origin: germline. Affected: yes.
Comment: Has not been previously published as pathogenic or benign to our knowledge; Not observed at a significant frequency in large population cohorts (Lek et al., 2016); In silico analysis, which includes protein predictors and evolutionary conservation, supports a deleterious effect